The following is an entry in ClinVar:

NM_000751.3(CHRND):c.305G>A (p.Arg102His)

Gene: CHRND (cholinergic receptor nicotinic delta subunit; plus strand). Cytogenetic location: 2q37.1.
Variant type: single nucleotide variant.
Coding change: c.305G>A on transcript NM_000751.3 (MANE Select); coding-DNA position 305, G replaced by A.
Protein change: p.Arg102His; replaces arginine 102 with histidine.
Molecular consequence: missense variant.
Genome position (GRCh38, 1-based): chr2:232,528,323, G>A. VCF-style: chr2-232528323-G-A. GRCh37 (hg19) VCF-style: chr2-233393033-G-A.
Other names: c.260G>A, p.Arg87His (NM_001256657.2); c.34G>A, p.Ala12Thr (NM_001311195.2, NM_001311196.2); c.305G>A (NM_000751.1); short protein forms R102H, A12T, R87H.
Identifiers: ClinVar variation 466192 (VCV000466192.12), dbSNP rs147919651, ClinGen allele CA2167984.
Genomic context (GRCh38, chr2:232,528,323, plus strand): 5'-GCTGGACAGACAACCGGCTGAAGTGGAATGCTGAAGAATTTGGAAACATCAGTGTCCTGC[G>A]CCTCCCCCCGGACATGGTGTGGCTCCCAGAGATTGTGCTGGAGAACAAGTTGAGCCAAGC-3'
Protein context (NP_000742.1, residues 92-112): AEEFGNISVL[Arg102His]LPPDMVWLPE

ClinVar aggregate classification (germline): Uncertain significance. Review status: criteria provided, multiple submitters, no conflicts (2 of 4 stars). 3 submissions from 3 submitters: Uncertain significance (3). Last evaluated 2025-03-27.

Conditions:
Inborn genetic diseases. Identifiers: MedGen C0950123, MeSH D030342.
Lethal multiple pterygium syndrome (LMPS). Identifiers: Orphanet 33108, MedGen C1854678, MONDO:0009668, OMIM 253290.

Allele frequency attached by ClinVar (database versions not stated): TOPMed 0.00011; gnomAD 0.00013; gnomAD exomes 0.00013; 1000 Genomes Project 30x 0.00016; ExAC 0.00016; 1000 Genomes Project 0.00020.
gnomAD v4.1: 198 of 1,614,078 alleles (0.012%); highest among the groups gnomAD compares: Non-Finnish European, 0.015%; no homozygotes.

Submissions (3):

Labcorp Genetics (formerly Invitae), Labcorp
Classification: Uncertain significance for Lethal multiple pterygium syndrome. Last evaluated: 2025-03-27. Review status: criteria provided, single submitter. Criteria: Invitae Variant Classification Sherloc (09022015). Collection method: clinical testing. Allele origin: germline.
Comment: This sequence change replaces arginine, which is basic and polar, with histidine, which is basic and polar, at codon 102 of the CHRND protein (p.Arg102His). This variant is present in population databases (rs147919651, gnomAD 0.02%). This variant has not been reported in the literature in individuals affected with CHRND-related conditions. ClinVar contains an entry for this variant (Variation ID: 466192). Invitae Evidence Modeling of protein sequence and biophysical properties (such as structural, functional, and spatial information, amino acid conservation, physicochemical variation, residue mobility, and thermodynamic stability) has been performed for this missense variant. However, the output from this modeling did not meet the statistical confidence thresholds required to predict the impact of this variant on CHRND protein function. In summary, the available evidence is currently insufficient to determine the role of this variant in disease. Therefore, it has been classified as a Variant of Uncertain Significance.

Ambry Genetics
Classification: Uncertain significance for Inborn genetic diseases. Last evaluated: 2021-10-26. Review status: criteria provided, single submitter. Criteria: Ambry Variant Classification Scheme 2023. Collection method: clinical testing. Allele origin: germline.

Revvity Omics, Revvity
Classification: Uncertain significance. Last evaluated: 2019-04-03. Review status: criteria provided, single submitter. Criteria: ACMG Guidelines, 2015. Collection method: clinical testing. Allele origin: germline.